The following is an entry in ClinVar:

NM_002617.4(PEX10):c.203C>A (p.Thr68Asn)

Gene: PEX10 (peroxisomal biogenesis factor 10; minus strand). Cytogenetic location: 1p36.32.
Variant type: single nucleotide variant.
Coding change: c.203C>A on transcript NM_002617.4 (MANE Select); coding-DNA position 203, C replaced by A.
Protein change: p.Thr68Asn; replaces threonine 68 with asparagine.
Molecular consequence: missense variant. On other transcripts: 5 prime UTR variant (2), non-coding transcript variant (1).
Genome position (GRCh38, 1-based): chr1:2,408,849, G>T on the plus strand (C>A on the coding strand, the complement: PEX10 is on the minus strand). VCF-style: chr1-2408849-G-T. GRCh37 (hg19) VCF-style: chr1-2340288-G-T.
Other names: c.203C>A, p.Thr68Asn (NM_001374425.1, NM_153818.2); c.-230C>A (NM_001374426.1, NM_001374427.1); short protein forms T68N.
Identifiers: ClinVar variation 1321394 (VCV001321394.4), dbSNP rs2100430231, ClinGen allele CA337989124.

ClinVar aggregate classification (germline): Uncertain significance. Review status: criteria provided, multiple submitters, no conflicts (2 of 4 stars). 2 submissions from 2 submitters: Uncertain significance (2). Last evaluated 2024-05-06.

Submissions (2):

Women's Health and Genetics/Laboratory Corporation of America, LabCorp
Classification: Uncertain significance. Last evaluated: 2024-05-06. Review status: criteria provided, single submitter. Criteria: LabCorp Variant Classification Summary - May 2015. Collection method: clinical testing. Allele origin: germline.
Comment: Variant summary: PEX10 c.203C>A (p.Thr68Asn) results in a non-conservative amino acid change located in the Pex, N-terminal domain of the encoded protein sequence. Five of five in-silico tools predict a damaging effect of the variant on protein function. The variant was absent in 250714 control chromosomes. The available data on variant occurrences in the general population are insufficient to allow any conclusion about variant significance. c.203C>A has been reported in the literature as a non-informative heterozygous genotype in at-least one individual affected with Zellweger Syndrome (example, Ebberink_2010). These report(s) do not provide unequivocal conclusions about association of the variant with Zellweger Syndrome. To our knowledge, no experimental evidence demonstrating an impact on protein function has been reported. The following publications have been ascertained in the context of this evaluation (PMID: 21031596, 30640048). ClinVar contains an entry for this variant (Variation ID: 1321394). Based on the evidence outlined above, the variant was classified as uncertain significance.

Blueprint Genetics
Classification: Uncertain significance. Last evaluated: 2019-11-18. Review status: criteria provided, single submitter. Criteria: ACMG Guidelines, 2015. Collection method: clinical testing. Allele origin: germline.

Literature cited by the submitters: PubMed 21031596 (cited by Women's Health and Genetics/Laboratory Corporation of America, LabCorp); PubMed 30640048 (cited by Women's Health and Genetics/Laboratory Corporation of America, LabCorp).